The following is an entry in ClinVar:

NM_001378457.1(DMXL2):c.3567G>A (p.Ala1189=)

Gene: DMXL2 (Dmx like 2; minus strand). Cytogenetic location: 15q21.2.
Variant type: single nucleotide variant.
Coding change: c.3567G>A on transcript NM_001378457.1 (MANE Select); coding-DNA position 3567, G replaced by A.
Protein change: p.Ala1189=; no amino-acid change (alanine 1189 retained).
Molecular consequence: synonymous variant. On other transcripts: non-coding transcript variant (2), intron variant (2).
Genome position (GRCh38, 1-based): chr15:51,499,657, C>T on the plus strand (G>A on the coding strand, the complement: DMXL2 is on the minus strand). VCF-style: chr15-51499657-C-T. GRCh37 (hg19) VCF-style: chr15-51791854-C-T.
Other names: c.3567G>A, p.Ala1189= (NM_001174116.3, NM_001378458.1, NM_001378459.1 and 4 more transcripts); c.3327G>A, p.Ala1109= (NM_001378464.1); c.2764+7477G>A (NM_001378460.1); c.2765-4523G>A (NM_001174117.3).
Identifiers: ClinVar variation 1648861 (VCV001648861.24), dbSNP rs201138302, ClinGen allele CA7562147.

ClinVar aggregate classification (germline): Benign/Likely benign. Review status: criteria provided, multiple submitters, no conflicts (2 of 4 stars). 4 submissions from 4 submitters: Benign (1); Likely benign (3). Last evaluated 2026-02-03.

Allele frequency attached by ClinVar (database versions not stated): TOPMed 0.00014; ESP Exome Variant Server 0.00015; 1000 Genomes Project 30x 0.00016; 1000 Genomes Project 0.00020; gnomAD 0.00025 and 0.00026; ExAC 0.00031.
gnomAD v4.1: 340 of 1,613,988 alleles (0.021%); highest among the groups gnomAD compares: Middle Eastern, 0.033%; 1 homozygote.

Submissions (4):

Labcorp Genetics (formerly Invitae), Labcorp
Classification: Benign. Last evaluated: 2026-02-03. Review status: criteria provided, single submitter. Criteria: Invitae Variant Classification Sherloc (09022015). Collection method: clinical testing. Allele origin: germline.

CeGaT Center for Human Genetics Tuebingen
Classification: Likely benign. Last evaluated: 2025-08-01. Review status: criteria provided, single submitter. Criteria: CeGaT Center For Human Genetics Tuebingen Variant Classification Criteria Version 2. Collection method: clinical testing. Allele origin: germline. Affected: yes. Observed: 3 variant alleles.
Comment: DMXL2: BP4, BP7

ARUP Laboratories, Molecular Genetics and Genomics, ARUP Laboratories
Classification: Likely benign. Last evaluated: 2024-11-14. Review status: criteria provided, single submitter. Criteria: ARUP Molecular Germline Variant Investigation Process 2024. Collection method: clinical testing. Allele origin: germline.

Blueprint Genetics
Classification: Likely benign. Last evaluated: 2024-11-06. Review status: criteria provided, single submitter. Criteria: ACMG Guidelines, 2015. Collection method: clinical testing. Allele origin: germline.